The following is an entry in ClinVar:

NM_000038.6(APC):c.3172G>A (p.Asp1058Asn)

Gene: APC (APC regulator of Wnt signaling pathway; plus strand). Cytogenetic location: 5q22.2.
Variant type: single nucleotide variant.
Coding change: c.3172G>A on transcript NM_000038.6 (MANE Select); coding-DNA position 3172, G replaced by A.
Protein change: p.Asp1058Asn; replaces aspartic acid 1058 with asparagine.
Molecular consequence: missense variant.
Genome position (GRCh38, 1-based): chr5:112,838,766, G>A. VCF-style: chr5-112838766-G-A. GRCh37 (hg19) VCF-style: chr5-112174463-G-A.
Other names: c.3172G>A, p.Asp1058Asn (NM_001127510.3, NM_001354895.2); c.3118G>A, p.Asp1040Asn (NM_001127511.3); c.3226G>A, p.Asp1076Asn (NM_001354896.2); c.3202G>A, p.Asp1068Asn (NM_001354897.2); c.3097G>A, p.Asp1033Asn (NM_001354898.2); c.3088G>A, p.Asp1030Asn (NM_001354899.2); c.3049G>A, p.Asp1017Asn (NM_001354900.2); c.2995G>A, p.Asp999Asn (NM_001354901.2); and 5 more; short protein forms D1040N, D1076N, D932N, D1017N, D1030N, D1033N, D1058N, D898N.
Identifiers: ClinVar variation 923030 (VCV000923030.12), dbSNP rs780872106, ClinGen allele CA16028284.

ClinVar aggregate classification (germline): Uncertain significance. Review status: criteria provided, multiple submitters, no conflicts (2 of 4 stars). 3 submissions from 3 submitters: Uncertain significance (3). Last evaluated 2026-02-19.

Conditions:
Hereditary cancer-predisposing syndrome. Also called: Tumor predisposition; Hereditary neoplastic syndrome; Hereditary Cancer Syndrome; Neoplastic Syndromes, Hereditary. Identifiers: Orphanet 140162, MedGen C0027672, MeSH D009386, MONDO:0015356.
Familial adenomatous polyposis 1 (FAP1). Also called: FAMILIAL ADENOMATOUS POLYPOSIS 1, ATTENUATED; POLYPOSIS, ADENOMATOUS INTESTINAL. Identifiers: MedGen C2713442, MONDO:0021056, OMIM 175100. Disease mechanism: loss of function.

Submissions (3):

Ambry Genetics
Classification: Uncertain significance for Hereditary cancer-predisposing syndrome. Last evaluated: 2026-02-19. Review status: criteria provided, single submitter. Criteria: Ambry Variant Classification Scheme 2023. Collection method: clinical testing. Allele origin: germline.
Comment: The p.D1058N variant (also known as c.3172G>A), located in coding exon 15 of the APC gene, results from a G to A substitution at nucleotide position 3172. The aspartic acid at codon 1058 is replaced by asparagine, an amino acid with highly similar properties. This amino acid position is well conserved in available vertebrate species. In addition, in silico predictors for this gene do not accurately predict pathogenicity. Missense variants in APC are not a common cause of disease (Spier I et al. Genet Med. 2024 Feb;26(2):100992). Based on the available evidence, the clinical significance of this variant remains unclear.

Labcorp Genetics (formerly Invitae), Labcorp
Classification: Uncertain significance for Familial adenomatous polyposis 1. Last evaluated: 2021-02-21. Review status: criteria provided, single submitter. Criteria: Invitae Variant Classification Sherloc (09022015). Collection method: clinical testing. Allele origin: germline.
Comment: In summary, the available evidence is currently insufficient to determine the role of this variant in disease. Therefore, it has been classified as a Variant of Uncertain Significance. Algorithms developed to predict the effect of missense changes on protein structure and function (SIFT, PolyPhen-2, Align-GVGD) all suggest that this variant is likely to be tolerated, but these predictions have not been confirmed by published functional studies and their clinical significance is uncertain. This variant has not been reported in the literature in individuals with APC-related conditions. ClinVar contains an entry for this variant (Variation ID: 923030). This variant is not present in population databases (ExAC no frequency). This sequence change replaces aspartic acid with asparagine at codon 1058 of the APC protein (p.Asp1058Asn). The aspartic acid residue is highly conserved and there is a small physicochemical difference between aspartic acid and asparagine.

Color Diagnostics, LLC DBA Color Health
Classification: Uncertain significance for Hereditary cancer-predisposing syndrome. Last evaluated: 2019-12-09. Review status: criteria provided, single submitter. Criteria: ACMG Guidelines, 2015. Collection method: clinical testing. Allele origin: germline.
Comment: This missense variant replaces aspartic acid with asparagine at codon 1058 of the APC protein. Computational prediction suggests that this variant may not impact protein structure and function (internally defined REVEL score threshold <= 0.5, PMID: 27666373). Splice site prediction tools suggest that this variant may not impact RNA splicing. To our knowledge, functional studies have not been performed for this variant. This variant has not been reported in individuals affected with hereditary cancer in the literature. This variant has not been identified in the general population by the Genome Aggregation Database (gnomAD). The available evidence is insufficient to determine the role of this variant in disease conclusively. Therefore, this variant is classified as a Variant of Uncertain Significance.